The following is an entry in ClinVar:

NM_024675.4(PALB2):c.3517G>T (p.Ala1173Ser)

Gene: PALB2 (partner and localizer of BRCA2; minus strand). Cytogenetic location: 16p12.2.
Variant type: single nucleotide variant.
Coding change: c.3517G>T on transcript NM_024675.4 (MANE Select); coding-DNA position 3517, G replaced by T.
Protein change: p.Ala1173Ser; replaces alanine 1173 with serine.
Molecular consequence: missense variant.
Genome position (GRCh38, 1-based): chr16:23,603,503, C>A on the plus strand (G>T on the coding strand, the complement: PALB2 is on the minus strand). VCF-style: chr16-23603503-C-A. GRCh37 (hg19) VCF-style: chr16-23614824-C-A.
Other names: short protein forms A1173S.
Identifiers: ClinVar variation 439235 (VCV000439235.12), dbSNP rs1555457844, ClinGen allele CA395137851.

ClinVar aggregate classification (germline): Uncertain significance. Review status: criteria provided, multiple submitters, no conflicts (2 of 4 stars). 4 submissions from 4 submitters: Uncertain significance (4). Last evaluated 2024-05-15.

Conditions:
Hereditary cancer-predisposing syndrome. Also called: Hereditary neoplastic syndrome; Hereditary Cancer Syndrome; Tumor predisposition; Neoplastic Syndromes, Hereditary. Identifiers: Orphanet 140162, MedGen C0027672, MeSH D009386, MONDO:0015356.
Familial cancer of breast. Also called: hereditary breast carcinoma; Hereditary breast cancer; BREAST CANCER, FAMILIAL. Identifiers: Orphanet 227535, MedGen C0346153, MONDO:0016419, OMIM 114480. Disease mechanism: loss of function.

Allele frequency attached by ClinVar (database versions not stated): gnomAD exomes below 0.00001; TOPMed below 0.00001.
gnomAD v4.1: 1 of 1,613,986 alleles (0.000062%); highest among the groups gnomAD compares: Non-Finnish European, 0.000085%; no homozygotes.

Submissions (4):

Ambry Genetics
Classification: Uncertain significance for Hereditary cancer-predisposing syndrome. Last evaluated: 2024-05-15. Review status: criteria provided, single submitter. Criteria: Ambry Variant Classification Scheme 2023. Collection method: clinical testing. Allele origin: germline.
Comment: The p.A1173S variant (also known as c.3517G>T), located in coding exon 13 of the PALB2 gene, results from a G to T substitution at nucleotide position 3517. The alanine at codon 1173 is replaced by serine, an amino acid with similar properties. This amino acid position is highly conserved in available vertebrate species. In addition, this alteration is predicted to be tolerated by in silico analysis. Based on the available evidence, the clinical significance of this variant remains unclear.

Labcorp Genetics (formerly Invitae), Labcorp
Classification: Uncertain significance for Familial cancer of breast. Last evaluated: 2024-04-18. Review status: criteria provided, single submitter. Criteria: Invitae Variant Classification Sherloc (09022015). Collection method: clinical testing. Allele origin: germline.
Comment: This sequence change replaces alanine, which is neutral and non-polar, with serine, which is neutral and polar, at codon 1173 of the PALB2 protein (p.Ala1173Ser). This variant is not present in population databases (gnomAD no frequency). This variant has not been reported in the literature in individuals affected with PALB2-related conditions. ClinVar contains an entry for this variant (Variation ID: 439235). An algorithm developed to predict the effect of missense changes on protein structure and function (PolyPhen-2) suggests that this variant is likely to be disruptive. In summary, the available evidence is currently insufficient to determine the role of this variant in disease. Therefore, it has been classified as a Variant of Uncertain Significance.

GeneDx
Classification: Uncertain significance. Last evaluated: 2023-06-26. Review status: criteria provided, single submitter. Criteria: GeneDx Variant Classification Process June 2021. Collection method: clinical testing. Allele origin: germline. Affected: yes.
Comment: Not observed at significant frequency in large population cohorts (gnomAD); In silico analysis supports that this missense variant has a deleterious effect on protein structure/function; Has not been previously published as pathogenic or benign to our knowledge

Quest Diagnostics Nichols Institute San Juan Capistrano
Classification: Uncertain significance. Last evaluated: 2017-05-13. Review status: criteria provided, single submitter. Criteria: Quest Diagnostics criteria. Collection method: clinical testing. Allele origin: germline.